The following is an entry in ClinVar:

NM_015425.6(POLR1A):c.4504G>A (p.Val1502Ile)

Gene: POLR1A (RNA polymerase I subunit A; minus strand). Cytogenetic location: 2p11.2.
Variant type: single nucleotide variant.
Coding change: c.4504G>A on transcript NM_015425.6 (MANE Select); coding-DNA position 4504, G replaced by A.
Protein change: p.Val1502Ile; replaces valine 1502 with isoleucine.
Molecular consequence: missense variant.
Genome position (GRCh38, 1-based): chr2:86,031,404, C>T on the plus strand (G>A on the coding strand, the complement: POLR1A is on the minus strand). VCF-style: chr2-86031404-C-T. GRCh37 (hg19) VCF-style: chr2-86258527-C-T.
Other names: c.4504G>A (NM_015425.3); short protein forms V1502I.
Identifiers: ClinVar variation 2778029 (VCV002778029.4), dbSNP rs1271853648, ClinGen allele CA347546219.
Genomic context (GRCh38, chr2:86,031,404, plus strand): 5'-TCTCCTCGGTGTCGTACTGGTAGTCATCTATGAACGGGTGGATCTCACGCACAGCCTGGA[C>T]CCGGCGCTCCATGGCCTCGGGCCCCTGGGGCTCCTGGCTGTGGGTGGGTTTCCGGGGCTG-3'
Protein context (NP_056240.2, residues 1492-1512): PQGPEAMERR[Val1502Ile]QAVREIHPFI

ClinVar aggregate classification (germline): Uncertain significance. Review status: criteria provided, multiple submitters, no conflicts (2 of 4 stars). 2 submissions from 2 submitters: Uncertain significance (2). Last evaluated 2025-04-16.

Conditions:
Inborn genetic diseases. Identifiers: MedGen C0950123, MeSH D030342.

Allele frequency attached by ClinVar (database versions not stated): gnomAD 0.00001; TOPMed 0.00002.

Submissions (2):

Labcorp Genetics (formerly Invitae), Labcorp
Classification: Uncertain significance. Last evaluated: 2025-04-16. Review status: criteria provided, single submitter. Criteria: Invitae Variant Classification Sherloc (09022015). Collection method: clinical testing. Allele origin: germline.
Comment: This sequence change replaces valine, which is neutral and non-polar, with isoleucine, which is neutral and non-polar, at codon 1502 of the POLR1A protein (p.Val1502Ile). This variant is not present in population databases (gnomAD no frequency). This variant has not been reported in the literature in individuals affected with POLR1A-related conditions. ClinVar contains an entry for this variant (Variation ID: 2778029). Invitae Evidence Modeling of protein sequence and biophysical properties (such as structural, functional, and spatial information, amino acid conservation, physicochemical variation, residue mobility, and thermodynamic stability) indicates that this missense variant is not expected to disrupt POLR1A protein function with a negative predictive value of 80%. In summary, the available evidence is currently insufficient to determine the role of this variant in disease. Therefore, it has been classified as a Variant of Uncertain Significance.

Ambry Genetics
Classification: Uncertain significance for Inborn genetic diseases. Last evaluated: 2025-01-08. Review status: criteria provided, single submitter. Criteria: Ambry Variant Classification Scheme 2023. Collection method: clinical testing. Allele origin: germline.